The following is an entry in ClinVar:

NM_031935.3(HMCN1):c.5707G>A (p.Ala1903Thr)

Gene: HMCN1 (hemicentin 1; plus strand). Cytogenetic location: 1q31.1.
Variant type: single nucleotide variant.
Coding change: c.5707G>A on transcript NM_031935.3 (MANE Select); coding-DNA position 5707, G replaced by A.
Protein change: p.Ala1903Thr; replaces alanine 1903 with threonine.
Molecular consequence: missense variant.
Genome position (GRCh38, 1-based): chr1:186,023,111, G>A. VCF-style: chr1-186023111-G-A. GRCh37 (hg19) VCF-style: chr1-185992243-G-A.
Other names: short protein forms A1903T.
Identifiers: ClinVar variation 4766972 (VCV004766972.1).
Genomic context (GRCh38, chr1:186,023,111, plus strand): 5'-CTACAAATTGCCAAAACCCTGTTGGAAGATGCTGGCAGATACACATGTGTGGCTACCAAC[G>A]CAGCTGGAGAAACACAACAGCACATTCAACTGCATGTTCATGGTAATGTAATTTCTACAC-3'
Protein context (NP_114141.2, residues 1893-1913): AGRYTCVATN[Ala1903Thr]AGETQQHIQL

ClinVar aggregate classification (germline): Uncertain significance (1 of 4 stars; one submission).

gnomAD v4.1: 17 of 1,613,200 alleles (0.0011%); highest among the groups gnomAD compares: Admixed American, 0.0017%; no homozygotes.

Submission:

Labcorp Genetics (formerly Invitae), Labcorp
Classification: Uncertain significance. Last evaluated: 2026-01-17. Review status: criteria provided, single submitter. Criteria: Invitae Variant Classification Sherloc (09022015). Collection method: clinical testing. Allele origin: germline.
Comment: This sequence change replaces alanine, which is neutral and non-polar, with threonine, which is neutral and polar, at codon 1903 of the HMCN1 protein (p.Ala1903Thr). This variant is present in population databases (rs779385525, gnomAD 0.006%). This variant has not been reported in the literature in individuals affected with HMCN1-related conditions. An algorithm developed to predict the effect of missense changes on protein structure and function (PolyPhen-2) suggests that this variant is likely to be tolerated. In summary, the available evidence is currently insufficient to determine the role of this variant in disease. Therefore, it has been classified as a Variant of Uncertain Significance.